The following is an entry in ClinVar:

ClinVar aggregate classification (germline): Uncertain significance. Review status: criteria provided, multiple submitters, no conflicts (2 of 4 stars). 2 submissions from 2 submitters: Uncertain significance (2). Last evaluated 2025-10-19.

Conditions:
Noonan syndrome 9 (NS9). Identifiers: Orphanet 648, MedGen C4225282, MONDO:0014691, OMIM 616559.
Cardiovascular phenotype. Identifiers: MedGen CN230736.

Submissions (2):

Labcorp Genetics (formerly Invitae), Labcorp
Classification: Uncertain significance for Noonan syndrome 9. Last evaluated: 2025-10-19. Review status: criteria provided, single submitter. Criteria: Invitae Variant Classification Sherloc (09022015). Collection method: clinical testing. Allele origin: germline.
Comment: This sequence change replaces serine, which is neutral and polar, with proline, which is neutral and non-polar, at codon 393 of the SOS2 protein (p.Ser393Pro). This variant is not present in population databases (gnomAD no frequency). This variant has not been reported in the literature in individuals affected with SOS2-related conditions. Invitae Evidence Modeling of protein sequence and biophysical properties (such as structural, functional, and spatial information, amino acid conservation, physicochemical variation, residue mobility, and thermodynamic stability) indicates that this missense variant is not expected to disrupt SOS2 protein function with a negative predictive value of 95%. In summary, the available evidence is currently insufficient to determine the role of this variant in disease. Therefore, it has been classified as a Variant of Uncertain Significance.

Ambry Genetics
Classification: Uncertain significance for Cardiovascular phenotype. Last evaluated: 2025-09-18. Review status: criteria provided, single submitter. Criteria: Ambry Variant Classification Scheme 2023. Collection method: clinical testing. Allele origin: germline.
Comment: The p.S393P variant (also known as c.1177T>C), located in coding exon 9 of the SOS2 gene, results from a T to C substitution at nucleotide position 1177. The serine at codon 393 is replaced by proline, an amino acid with similar properties. This amino acid position is conserved. In addition, the in silico prediction for this alteration is inconclusive. Based on the available evidence, the clinical significance of this variant remains unclear.

NM_006939.4(SOS2):c.1177T>C (p.Ser393Pro)

Gene: SOS2 (SOS Ras/Rho guanine nucleotide exchange factor 2; minus strand). Cytogenetic location: 14q21.3.
Variant type: single nucleotide variant.
Coding change: c.1177T>C on transcript NM_006939.4 (MANE Select); coding-DNA position 1177, T replaced by C.
Protein change: p.Ser393Pro; replaces serine 393 with proline.
Molecular consequence: missense variant.
Genome position (GRCh38, 1-based): chr14:50,161,501, A>G on the plus strand (T>C on the coding strand, the complement: SOS2 is on the minus strand). VCF-style: chr14-50161501-A-G. GRCh37 (hg19) VCF-style: chr14-50628219-A-G.
Other names: c.1078T>C, p.Ser360Pro (NM_001411020.1); short protein forms S360P, S393P.
Identifiers: ClinVar variation 4614985 (VCV004614985.2).
Genomic context (GRCh38, chr14:50,161,501, plus strand): 5'-AGTAAGCAGAGGCATTCACGTTTTCAACACTTTGGAATTACCCAGGTCGACGTCTAGGTG[A>G]ATACTGCTTGTAAATTCGGTCCATGCTACCTTGGAGATTCATGAGAGCAGTAATAGCTTG-3'
Protein context (NP_008870.2, residues 383-403): GSMDRIYKQY[Ser393Pro]PRRRPGDPVC